The following is an entry in ClinVar:

NM_001130987.2(DYSF):c.176C>G (p.Pro59Arg)

Gene: DYSF (dysferlin; plus strand). Cytogenetic location: 2p13.2.
Variant type: single nucleotide variant.
Coding change: c.176C>G on transcript NM_001130987.2 (MANE Select); coding-DNA position 176, C replaced by G.
Protein change: p.Pro59Arg; replaces proline 59 with arginine.
Molecular consequence: missense variant.
Genome position (GRCh38, 1-based): chr2:71,481,907, C>G. VCF-style: chr2-71481907-C-G. GRCh37 (hg19) VCF-style: chr2-71709037-C-G.
Other names: c.176C>G, p.Pro59Arg (NM_001130455.2, NM_001130982.2, NM_001130983.2 and 3 more transcripts); c.173C>G, p.Pro58Arg (NM_001130976.2, NM_001130977.2, NM_001130978.2 and 4 more transcripts); short protein forms P59R, P58R.
Identifiers: ClinVar variation 1953646 (VCV001953646.2), dbSNP rs566595009, ClinGen allele CA347216323.

ClinVar aggregate classification (germline): Uncertain significance (1 of 4 stars; one submission).

Conditions:
Neuromuscular disease caused by qualitative or quantitative defects of dysferlin. Also called: Dysferlinopathy; Qualitative or quantitative defects of dysferlin. Identifiers: Orphanet 207073, MedGen C2931687, MONDO:0016145.

Submission:

Labcorp Genetics (formerly Invitae), Labcorp
Classification: Uncertain significance for Neuromuscular disease caused by qualitative or quantitative defects of dysferlin. Last evaluated: 2021-06-05. Review status: criteria provided, single submitter. Criteria: Invitae Variant Classification Sherloc (09022015). Collection method: clinical testing. Allele origin: germline.
Comment: This sequence change replaces proline with arginine at codon 58 of the DYSF protein (p.Pro58Arg). The proline residue is moderately conserved and there is a moderate physicochemical difference between proline and arginine. This variant is not present in population databases (ExAC no frequency). This variant has not been reported in the literature in individuals with DYSF-related conditions. Advanced modeling of protein sequence and biophysical properties (such as structural, functional, and spatial information, amino acid conservation, physicochemical variation, residue mobility, and thermodynamic stability) performed at Invitae indicates that this missense variant is not expected to disrupt DYSF protein function. In summary, the available evidence is currently insufficient to determine the role of this variant in disease. Therefore, it has been classified as a Variant of Uncertain Significance.